The following is an entry in ClinVar:

NM_001082538.3(TCTN1):c.220+12G>C

Genes: TCTN1 (tectonic family member 1; plus strand), LOC130008755 (ATAC-STARR-seq lymphoblastoid active region 7012; plus strand). Cytogenetic location: 12q24.11.
Variant type: single nucleotide variant.
Coding change: c.220+12G>C on transcript NM_001082538.3 (MANE Select); 12 bases into the intron after coding-DNA position 220, G replaced by C.
Molecular consequence: intron variant. On other transcripts: missense variant (2), initiator codon variant (2), non-coding transcript variant (1).
Genome position (GRCh38, 1-based): chr12:110,614,414, G>C. VCF-style: chr12-110614414-G-C. GRCh37 (hg19) VCF-style: chr12-111052219-G-C.
Other names: c.3G>C, p.Met1Ile (NM_001173975.3, NM_001319682.3); c.-37+12G>C (NM_001173976.2); c.-488+12G>C (NM_001319681.2); c.220+12G>C (NM_024549.6, NM_001082537.3, NM_001319680.2); short protein forms M1I.
Identifiers: ClinVar variation 160096 (VCV000160096.46), dbSNP rs76843552, ClinGen allele CA173657.
Genomic context (GRCh38, chr12:110,614,414, plus strand): 5'-AGGGCTCCAGGGCCCTCCTCCGGCCCCAGGCCTACCCCAGTCACGGACGGTGGGTACCAT[G>C]TGCCAGCTCCTGGAGTCCACAGTGATCCAACCTCAAGGGGACAGCCCCGGTGAGGACGTA-3'

ClinVar aggregate classification (germline): Benign/Likely benign. Review status: criteria provided, multiple submitters, no conflicts (2 of 4 stars). 8 submissions from 8 submitters: Benign (5); Likely benign (2). 1 of the submissions does not count toward it. Last evaluated 2026-09-01.

Conditions:
Meckel-Gruber syndrome. Also called: DYSENCEPHALIA SPLANCHNOCYSTICA; GRUBER SYNDROME; Dysencephalia splachnocystica. Identifiers: Orphanet 564, MedGen C0265215, MONDO:0018921.
Joubert syndrome. Also called: JOUBERT-BOLTSHAUSER SYNDROME; Familial aplasia of the vermis. Identifiers: Orphanet 475, MedGen C5979921, MONDO:0018772.
Joubert syndrome 13 (JBTS13). Identifiers: Orphanet 475, MedGen C3280031, MONDO:0013608, OMIM 614173.

Allele frequency attached by ClinVar (database versions not stated): 1000 Genomes Project 0.00359; 1000 Genomes Project 30x 0.00359; ESP Exome Variant Server 0.00611; TOPMed 0.00626; gnomAD 0.00715 and 0.00719; gnomAD exomes 0.00800 and 0.00944; ExAC 0.01431.
gnomAD v4.1: 14,433 of 1,585,846 alleles (0.91%); highest among the groups gnomAD compares: Non-Finnish European, 1%; 73 homozygotes.

Submissions (8):

CeGaT Center for Human Genetics Tuebingen
Classification: Benign. Last evaluated: 2026-09-01. Review status: criteria provided, single submitter. Criteria: CeGaT Center For Human Genetics Tuebingen Variant Classification Criteria Version 2. Collection method: clinical testing. Allele origin: germline. Affected: yes. Observed: 27 variant alleles.
Comment: TCTN1: BS1, BS2

Labcorp Genetics (formerly Invitae), Labcorp
Classification: Benign for Joubert syndrome; Meckel-Gruber syndrome. Last evaluated: 2026-02-02. Review status: criteria provided, single submitter. Criteria: Invitae Variant Classification Sherloc (09022015). Collection method: clinical testing. Allele origin: germline.

Illumina Laboratory Services, Illumina
Classification: Benign for Joubert syndrome 13. Last evaluated: 2018-01-13. Review status: criteria provided, single submitter. Criteria: ICSL Variant Classification Criteria 13 December 2019. Collection method: clinical testing. Allele origin: germline.
Comment: This variant was observed in the ICSL laboratory as part of a predisposition screen in an ostensibly healthy population. It had not been previously curated by ICSL or reported in the Human Gene Mutation Database (HGMD: prior to June 1st, 2018), and was therefore a candidate for classification through an automated scoring system. Utilizing variant allele frequency, disease prevalence and penetrance estimates, and inheritance mode, an automated score was calculated to assess if this variant is too frequent to cause the disease. Based on the score and internal cut-off values, a variant classified as benign is not then subjected to further curation. The score for this variant resulted in a classification of benign for this disease.

Center for Pediatric Genomic Medicine, Children's Mercy Hospital and Clinics
Classification: Likely benign. Last evaluated: 2017-08-23. Review status: criteria provided, single submitter. Criteria: ACMG Guidelines, 2015. Collection method: clinical testing. Allele origin: germline.

GeneDx
Classification: Benign. Last evaluated: 2017-06-05. Review status: criteria provided, single submitter. Criteria: GeneDx Variant Classification (06012015). Collection method: clinical testing. Allele origin: germline. Affected: yes.
Comment: This variant is considered likely benign or benign based on one or more of the following criteria: it is a conservative change, it occurs at a poorly conserved position in the protein, it is predicted to be benign by multiple in silico algorithms, and/or has population frequency not consistent with disease.

Breakthrough Genomics
Classification: Likely benign. Review status: criteria provided, single submitter. Criteria: ACMG Guidelines, 2015. Collection method: not provided. Allele origin: germline. Inheritance: Autosomal recessive inheritance. Affected: yes.

PreventionGenetics, part of Exact Sciences
Classification: Benign. Review status: criteria provided, single submitter. Criteria: ACMG Guidelines, 2015. Collection method: clinical testing. Allele origin: germline.

Genetic Services Laboratory, University of Chicago
Classification: Likely benign. Review status: no assertion criteria provided. Collection method: clinical testing. Allele origin: germline. Inheritance: Autosomal recessive inheritance. Not counted in ClinVar's aggregate classification.
Comment: Likely benign based on allele frequency in 1000 Genomes Project or ESP global frequency and its presence in a patient with a rare or unrelated disease phenotype. NOT Sanger confirmed